The following is an entry in ClinVar:

NM_000368.5(TSC1):c.3377G>T (p.Gly1126Val)

Gene: TSC1 (TSC complex subunit 1; minus strand). Cytogenetic location: 9q34.13.
Variant type: single nucleotide variant.
Coding change: c.3377G>T on transcript NM_000368.5 (MANE Select); coding-DNA position 3377, G replaced by T.
Protein change: p.Gly1126Val; replaces glycine 1126 with valine.
Molecular consequence: missense variant.
Genome position (GRCh38, 1-based): chr9:132,896,353, C>A on the plus strand (G>T on the coding strand, the complement: TSC1 is on the minus strand). VCF-style: chr9-132896353-C-A. GRCh37 (hg19) VCF-style: chr9-135771740-C-A.
Other names: c.3374G>T, p.Gly1125Val (NM_001162426.2); c.3224G>T, p.Gly1075Val (NM_001162427.2); c.3014G>T, p.Gly1005Val (NM_001362177.2); c.3377G>T (NM_000368.4); short protein forms G1005V, G1075V, G1125V, G1126V.
Identifiers: ClinVar variation 1024184 (VCV001024184.9), dbSNP rs1446630759, ClinGen allele CA375366496.
Genomic context (GRCh38, chr9:132,896,353, plus strand): 5'-TCCGGGGTCGGGGGAGACGGGTGAGGGCCATCTAGGTTCAGGGGAATCTTGGCTTCCACA[C>A]CCAAGTCTTTGCCCAGTTCTGTCTTTAGGCTCTCAGAAAGGCTACTGGTCATGCCGTCCT-3'
Protein context (NP_000359.1, residues 1116-1136): SLKTELGKDL[Gly1126Val]VEAKIPLNLD

ClinVar aggregate classification (germline): Conflicting classifications of pathogenicity. Review status: criteria provided, conflicting classifications (1 of 4 stars). 2 submissions from 2 submitters: Uncertain significance (1); Likely benign (1). Last evaluated 2025-03-26.

Conditions:
Hereditary cancer-predisposing syndrome. Also called: Hereditary neoplastic syndrome; Neoplastic Syndromes, Hereditary; Tumor predisposition; Hereditary Cancer Syndrome. Identifiers: Orphanet 140162, MedGen C0027672, MeSH D009386, MONDO:0015356.
Tuberous sclerosis 1 (TSC1). Identifiers: Orphanet 805, MedGen C1854465, MONDO:0008612, OMIM 191100.

Allele frequency attached by ClinVar (database versions not stated): gnomAD exomes below 0.00001.

Submissions (2):

Ambry Genetics
Classification: Uncertain significance for Hereditary cancer-predisposing syndrome. Last evaluated: 2025-03-26. Review status: criteria provided, single submitter. Criteria: Ambry Variant Classification Scheme 2023. Collection method: clinical testing. Allele origin: germline.
Comment: The p.G1126V variant (also known as c.3377G>T), located in coding exon 21 of the TSC1 gene, results from a G to T substitution at nucleotide position 3377. The glycine at codon 1126 is replaced by valine, an amino acid with dissimilar properties. This amino acid position is conserved. In addition, this alteration is predicted to be tolerated by in silico analysis. Based on the available evidence, the clinical significance of this variant remains unclear.

Labcorp Genetics (formerly Invitae), Labcorp
Classification: Likely benign for Tuberous sclerosis 1. Last evaluated: 2022-10-13. Review status: criteria provided, single submitter. Criteria: Invitae Variant Classification Sherloc (09022015). Collection method: clinical testing. Allele origin: germline.